The following is an entry in ClinVar:

NM_002485.5(NBN):c.229T>C (p.Phe77Leu)

Gene: NBN (nibrin; minus strand). Cytogenetic location: 8q21.3.
Variant type: single nucleotide variant.
Coding change: c.229T>C on transcript NM_002485.5 (MANE Select); coding-DNA position 229, T replaced by C.
Protein change: p.Phe77Leu; replaces phenylalanine 77 with leucine.
Molecular consequence: missense variant. On other transcripts: 5 prime UTR variant (1).
Genome position (GRCh38, 1-based): chr8:89,981,466, A>G on the plus strand (T>C on the coding strand, the complement: NBN is on the minus strand). VCF-style: chr8-89981466-A-G. GRCh37 (hg19) VCF-style: chr8-90993694-A-G.
Other names: c.-18T>C (NM_001024688.3); short protein forms F77L.
Identifiers: ClinVar variation 2452402 (VCV002452402.3), dbSNP rs1812062020, ClinGen allele CA371662525.
Genomic context (GRCh38, chr8:89,981,466, plus strand): 5'-TACCATCCCCCGACTTCAAAGTTCGGGAAAAGCCATTCTGCATTTTTTCCTCATTAACAA[A>G]GGTACCATACTTAGAATTATCTTTTAATGTCAATACAGGGATTTCATCTGTTTGACTCTG-3'
Protein context (NP_002476.2, residues 67-87): TLKDNSKYGT[Phe77Leu]VNEEKMQNGF

ClinVar aggregate classification (germline): Uncertain significance (1 of 4 stars; one submission).

Conditions:
Hereditary cancer-predisposing syndrome. Also called: Neoplastic Syndromes, Hereditary; Tumor predisposition; Hereditary neoplastic syndrome; Hereditary Cancer Syndrome. Identifiers: Orphanet 140162, MedGen C0027672, MeSH D009386, MONDO:0015356.

Allele frequency attached by ClinVar (database versions not stated): gnomAD 0.00001.
gnomAD v4.1: 1 of 1,613,666 alleles (0.000062%); highest among the groups gnomAD compares: African/African-American, 0.0013%; no homozygotes.

Submission:

Ambry Genetics
Classification: Uncertain significance for Hereditary cancer-predisposing syndrome. Last evaluated: 2025-04-20. Review status: criteria provided, single submitter. Criteria: Ambry Variant Classification Scheme 2023. Collection method: clinical testing. Allele origin: germline.
Comment: The p.F77L variant (also known as c.229T>C), located in coding exon 3 of the NBN gene, results from a T to C substitution at nucleotide position 229. The phenylalanine at codon 77 is replaced by leucine, an amino acid with highly similar properties. This amino acid position is well conserved in available vertebrate species. In addition, the in silico prediction for this alteration is inconclusive. Since supporting evidence is limited at this time, the clinical significance of this alteration remains unclear.